The following is an entry in ClinVar:

ClinVar aggregate classification (germline): Uncertain significance (1 of 4 stars; one submission).

Allele frequency attached by ClinVar (database versions not stated): gnomAD exomes 0.00001.

Submission:

Labcorp Genetics (formerly Invitae), Labcorp
Classification: Uncertain significance. Last evaluated: 2022-06-20. Review status: criteria provided, single submitter. Criteria: Invitae Variant Classification Sherloc (09022015). Collection method: clinical testing. Allele origin: germline.
Comment: This variant has not been reported in the literature in individuals affected with ATOH7-related conditions. Algorithms developed to predict the effect of missense changes on protein structure and function output the following: SIFT: "Tolerated"; PolyPhen-2: "Possibly Damaging"; Align-GVGD: "Class C0". The cysteine amino acid residue is found in multiple mammalian species, which suggests that this missense change does not adversely affect protein function. In summary, the available evidence is currently insufficient to determine the role of this variant in disease. Therefore, it has been classified as a Variant of Uncertain Significance. This variant is not present in population databases (gnomAD no frequency). This sequence change replaces glycine, which is neutral and non-polar, with cysteine, which is neutral and slightly polar, at codon 8 of the ATOH7 protein (p.Gly8Cys).

NM_145178.4(ATOH7):c.22G>T (p.Gly8Cys)

Genes: ATOH7 (atonal bHLH transcription factor 7; minus strand), LOC130003943 (ATAC-STARR-seq lymphoblastoid silent region 2418; plus strand). Cytogenetic location: 10q21.3.
Variant type: single nucleotide variant.
Coding change: c.22G>T on transcript NM_145178.4 (MANE Select); coding-DNA position 22, G replaced by T.
Protein change: p.Gly8Cys; replaces glycine 8 with cysteine.
Molecular consequence: missense variant.
Genome position (GRCh38, 1-based): chr10:68,231,656, C>A on the plus strand (G>T on the coding strand, the complement: ATOH7 is on the minus strand). VCF-style: chr10-68231656-C-A. GRCh37 (hg19) VCF-style: chr10-69991413-C-A.
Other names: short protein forms G8C.
Identifiers: ClinVar variation 1352319 (VCV001352319.8), dbSNP rs1426761957, ClinGen allele CA376837976.